The following is an entry in ClinVar:

ClinVar aggregate classification (germline): Uncertain significance (1 of 4 stars; one submission).

Allele frequency attached by ClinVar (database versions not stated): gnomAD 0.00001; gnomAD exomes 0.00001; TOPMed 0.00002; ExAC 0.00007; ESP Exome Variant Server 0.00008.
gnomAD v4.1: 21 of 1,579,284 alleles (0.0013%); highest among the groups gnomAD compares: East Asian, 0.007%; no homozygotes.

Submission:

Labcorp Genetics (formerly Invitae), Labcorp
Classification: Uncertain significance. Last evaluated: 2025-08-15. Review status: criteria provided, single submitter. Criteria: Invitae Variant Classification Sherloc (09022015). Collection method: clinical testing. Allele origin: germline.
Comment: This sequence change replaces arginine, which is basic and polar, with histidine, which is basic and polar, at codon 1718 of the MYO18B protein (p.Arg1718His). The frequency data for this variant in the population databases is considered unreliable, as metrics indicate poor data quality at this position in the gnomAD database. This variant has not been reported in the literature in individuals affected with MYO18B-related conditions. ClinVar contains an entry for this variant (Variation ID: 1381812). An algorithm developed to predict the effect of missense changes on protein structure and function outputs the following: PolyPhen-2: "Benign". The histidine amino acid residue is found in multiple mammalian species, which suggests that this missense change does not adversely affect protein function. In summary, the available evidence is currently insufficient to determine the role of this variant in disease. Therefore, it has been classified as a Variant of Uncertain Significance.

NM_032608.7(MYO18B):c.5153G>A (p.Arg1718His)

Gene: MYO18B (myosin XVIIIB; plus strand). Cytogenetic location: 22q12.1.
Variant type: single nucleotide variant.
Coding change: c.5153G>A on transcript NM_032608.7 (MANE Select); coding-DNA position 5153, G replaced by A.
Protein change: p.Arg1718His; replaces arginine 1718 with histidine.
Molecular consequence: missense variant.
Genome position (GRCh38, 1-based): chr22:25,908,326, G>A. VCF-style: chr22-25908326-G-A. GRCh37 (hg19) VCF-style: chr22-26304293-G-A.
Other names: c.5156G>A, p.Arg1719His (NM_001318245.2); short protein forms R1719H, R1718H.
Identifiers: ClinVar variation 1381812 (VCV001381812.8), dbSNP rs377380033, ClinGen allele CA10161085.
Genomic context (GRCh38, chr22:25,908,326, plus strand): 5'-GGGCTTGGAGAGTTAGAGTGGGTCACCCTCACGTGCTGTCCTTGCTGCCCCCGCAGCTCC[G>A]CCAGCGGTTTGAGCTGGAGATCGAGCGGATGAAGCAGATGCACCAGAAGGACCGTGAGGA-3'
Protein context (NP_115997.5, residues 1708-1728): ENTIKQLEQL[Arg1718His]QRFELEIERM